The following is an entry in ClinVar:

ClinVar aggregate classification (germline): Uncertain significance (1 of 4 stars; one submission).

Submission:

Labcorp Genetics (formerly Invitae), Labcorp
Classification: Uncertain significance. Last evaluated: 2022-06-01. Review status: criteria provided, single submitter. Criteria: Invitae Variant Classification Sherloc (09022015). Collection method: clinical testing. Allele origin: germline.
Comment: This sequence change falls in intron 9 of the UNC45A gene. It does not directly change the encoded amino acid sequence of the UNC45A protein. It affects a nucleotide within the consensus splice site. In summary, the available evidence is currently insufficient to determine the role of this variant in disease. Therefore, it has been classified as a Variant of Uncertain Significance. Variants that disrupt the consensus splice site are a relatively common cause of aberrant splicing (PMID: 17576681, 9536098). Algorithms developed to predict the effect of sequence changes on RNA splicing suggest that this variant is not likely to affect RNA splicing. This variant has not been reported in the literature in individuals affected with UNC45A-related conditions. This variant is not present in population databases (gnomAD no frequency).

Literature cited by the submitters: PubMed 17576681; PubMed 9536098.

NM_018671.5(UNC45A):c.1200-3C>T

Gene: UNC45A (unc-45 myosin chaperone A; plus strand). Cytogenetic location: 15q26.1.
Variant type: single nucleotide variant.
Coding change: c.1200-3C>T on transcript NM_018671.5 (MANE Select); 3 bases into the intron before coding-DNA position 1200, C replaced by T.
Molecular consequence: intron variant.
Genome position (GRCh38, 1-based): chr15:90,946,611, C>T. VCF-style: chr15-90946611-C-T. GRCh37 (hg19) VCF-style: chr15-91489841-C-T.
Other names: c.1155-3C>T (NM_001039675.2, NM_001323621.2); c.1200-3C>T (NM_001323619.1); c.765-3C>T (NM_001323620.2).
Identifiers: ClinVar variation 2189055 (VCV002189055.2), dbSNP rs2543154301, ClinGen allele CA2580090279.
Genomic context (GRCh38, chr15:90,946,611, plus strand): 5'-GGAGGGAAGAAGAGTCCCTTTATGTTGGCCTTGGTGTGACGGCTGTCACCCTGTGCCCCT[C>T]AGGAGCTGGTTTGAGGGCCAAGGGCTGGCCGGGAAGCTACGGGCCATCCAGACGGTGTCC-3'